The following is an entry in ClinVar:

NM_001292063.2(OTOG):c.15G>A (p.Ala5=)

Gene: OTOG (otogelin; plus strand). Cytogenetic location: 11p15.1.
Variant type: single nucleotide variant.
Coding change: c.15G>A on transcript NM_001292063.2 (MANE Select); coding-DNA position 15, G replaced by A.
Protein change: p.Ala5=; no amino-acid change (alanine 5 retained).
Molecular consequence: synonymous variant.
Genome position (GRCh38, 1-based): chr11:17,547,387, G>A. VCF-style: chr11-17547387-G-A. GRCh37 (hg19) VCF-style: chr11-17568934-G-A.
Other names: c.15G>A, p.Ala5= (NM_001277269.2).
Identifiers: ClinVar variation 1803459 (VCV001803459.5), dbSNP rs770222544, ClinGen allele CA5905305.

ClinVar aggregate classification (germline): Conflicting classifications of pathogenicity. Review status: criteria provided, conflicting classifications (1 of 4 stars). 3 submissions from 3 submitters: Uncertain significance (1); Likely benign (2). Last evaluated 2024-11-11.

Allele frequency attached by ClinVar (database versions not stated): TOPMed 0.00002; gnomAD 0.00004; gnomAD exomes 0.00004.
gnomAD v4.1: 61 of 1,413,966 alleles (0.0043%); highest among the groups gnomAD compares: South Asian, 0.046%; 1 homozygote.

Submissions (3):

GeneDx
Classification: Uncertain significance. Last evaluated: 2024-11-11. Review status: criteria provided, single submitter. Criteria: GeneDx Variant Classification Process June 2021. Collection method: clinical testing. Allele origin: germline.
Comment: In silico analysis indicates that this variant does not alter splicing; Has not been previously published as pathogenic or benign to our knowledge

Labcorp Genetics (formerly Invitae), Labcorp
Classification: Likely benign. Last evaluated: 2024-07-30. Review status: criteria provided, single submitter. Criteria: Invitae Variant Classification Sherloc (09022015). Collection method: clinical testing. Allele origin: germline.

Blueprint Genetics
Classification: Likely benign. Last evaluated: 2024-06-05. Review status: criteria provided, single submitter. Criteria: ACMG Guidelines, 2015. Collection method: clinical testing. Allele origin: germline.